The following is an entry in ClinVar:

NM_001349798.2(FBXW7):c.5A>G (p.Asn2Ser)

Gene: FBXW7 (F-box and WD repeat domain containing 7; minus strand). Cytogenetic location: 4q31.3.
Variant type: single nucleotide variant.
Coding change: c.5A>G on transcript NM_001349798.2 (MANE Select); coding-DNA position 5, A replaced by G.
Protein change: p.Asn2Ser; replaces asparagine 2 with serine.
Molecular consequence: missense variant.
Genome position (GRCh38, 1-based): chr4:152,411,799, T>C on the plus strand (A>G on the coding strand, the complement: FBXW7 is on the minus strand). VCF-style: chr4-152411799-T-C. GRCh37 (hg19) VCF-style: chr4-153332951-T-C.
Other names: c.5A>G, p.Asn2Ser (NM_001257069.1, NM_033632.3); short protein forms N2S.
Identifiers: ClinVar variation 4880940 (VCV004880940.2).

ClinVar aggregate classification (germline): Uncertain significance (1 of 4 stars; one submission).

Conditions:
Developmental delay, hypotonia, and impaired language (DEDHIL). Identifiers: MedGen C5774202, MONDO:0859280, OMIM 620012.

Submission:

Dasa
Classification: Uncertain significance for Developmental delay, hypotonia, and impaired language. Last evaluated: 2025-07-05. Review status: criteria provided, single submitter. Criteria: DASA Assertion Criteria. Collection method: clinical testing. Allele origin: germline.
Comment: NM_001349798.2(FBXW7):c.5A>G (p.Asn2Ser) is a missense variant that results in the substitution of asparagine with serine. This variant is absent from population databases. Computational prediction algorithms are consistent with a benign effect. The currently available literature and clinical evidence are not sufficient to establish a definitive association between this variant and the reported condition. Therefore, this variant is classified as a variant of uncertain significance.